The following is an entry in ClinVar:

ClinVar aggregate classification (germline): Uncertain significance (1 of 4 stars; one submission).

Conditions:
Primary ciliary dyskinesia. Also called: Ciliary dyskinesia. Identifiers: Orphanet 244, MedGen C0008780, MONDO:0016575, HP:0012265.

Submission:

Ambry Genetics
Classification: Uncertain significance for Primary ciliary dyskinesia. Last evaluated: 2022-02-20. Review status: criteria provided, single submitter. Criteria: Ambry Variant Classification Scheme 2023. Collection method: clinical testing. Allele origin: germline.
Comment: The p.I880V variant (also known as c.2638A>G), located in coding exon 16 of the CCDC40 gene, results from an A to G substitution at nucleotide position 2638. The isoleucine at codon 880 is replaced by valine, an amino acid with highly similar properties. This amino acid position is conserved. In addition, this alteration is predicted to be tolerated by in silico analysis. Since supporting evidence is limited at this time, the clinical significance of this alteration remains unclear.

NM_017950.4(CCDC40):c.2638A>G (p.Ile880Val)

Gene: CCDC40 (coiled-coil domain 40 molecular ruler complex subunit; plus strand). Cytogenetic location: 17q25.3.
Variant type: single nucleotide variant.
Coding change: c.2638A>G on transcript NM_017950.4 (MANE Select); coding-DNA position 2638, A replaced by G.
Protein change: p.Ile880Val; replaces isoleucine 880 with valine.
Molecular consequence: missense variant.
Genome position (GRCh38, 1-based): chr17:80,088,029, A>G. VCF-style: chr17-80088029-A-G. GRCh37 (hg19) VCF-style: chr17-78061828-A-G.
Other names: c.2638A>G, p.Ile880Val (NM_001243342.2); short protein forms I880V.
Identifiers: ClinVar variation 1794142 (VCV001794142.2), dbSNP rs1255622317, ClinGen allele CA401349479.
Genomic context (GRCh38, chr17:80,088,029, plus strand): 5'-CATGGCCCTCCCCACAGCTGTCCCGCCCCCTCCCCCATGCAGGCCTCTGAGAGGGAGACC[A>G]TCAAGATGCAGGACAAGCTGAACCAGCTCAGCGAGGAGAAGGCGACCCTCCTGAATCAAC-3'
Protein context (NP_060420.2, residues 870-890): RSLKASERET[Ile880Val]KMQDKLNQLS